The following is an entry in ClinVar:

ClinVar aggregate classification (germline): Uncertain significance. Review status: criteria provided, multiple submitters, no conflicts (2 of 4 stars). 3 submissions from 3 submitters: Uncertain significance (3). Last evaluated 2026-09-21.

Conditions:
Familial focal epilepsy with variable foci (FPEVF). Identifiers: Orphanet 98820, MedGen C1858477, MONDO:0020310.
Inborn genetic diseases. Identifiers: MedGen C0950123, MeSH D030342.

Allele frequency attached by ClinVar (database versions not stated): TOPMed below 0.00001; gnomAD 0.00001.
gnomAD v4.1: 19 of 1,614,086 alleles (0.0012%); highest among the groups gnomAD compares: Non-Finnish European, 0.0016%; no homozygotes.

Submissions (3):

GeneDx
Classification: Uncertain significance. Last evaluated: 2026-09-21. Review status: criteria provided, single submitter. Criteria: GeneDx Variant Classification Process June 2021. Collection method: clinical testing. Allele origin: germline.
Comment: Not observed at significant frequency in large population cohorts (gnomAD); In silico analysis supports that this missense variant has a deleterious effect on protein structure/function; Has not been previously published as pathogenic or benign to our knowledge

Ambry Genetics
Classification: Uncertain significance for Inborn genetic diseases. Last evaluated: 2025-06-17. Review status: criteria provided, single submitter. Criteria: Ambry Variant Classification Scheme 2023. Collection method: clinical testing. Allele origin: germline.

Labcorp Genetics (formerly Invitae), Labcorp
Classification: Uncertain significance for Familial focal epilepsy with variable foci. Last evaluated: 2025-05-07. Review status: criteria provided, single submitter. Criteria: Invitae Variant Classification Sherloc (09022015). Collection method: clinical testing. Allele origin: germline.
Comment: This sequence change replaces histidine, which is basic and polar, with arginine, which is basic and polar, at codon 633 of the DEPDC5 protein (p.His633Arg). This variant is not present in population databases (gnomAD no frequency). This variant has not been reported in the literature in individuals affected with DEPDC5-related conditions. ClinVar contains an entry for this variant (Variation ID: 420647). Experimental studies and prediction algorithms are not available or were not evaluated, and the functional significance of this variant is currently unknown. In summary, the available evidence is currently insufficient to determine the role of this variant in disease. Therefore, it has been classified as a Variant of Uncertain Significance.

NM_001242896.3(DEPDC5):c.1898A>G (p.His633Arg)

Gene: DEPDC5 (DEP domain containing 5, GATOR1 subcomplex subunit; plus strand). Cytogenetic location: 22q12.3.
Variant type: single nucleotide variant.
Coding change: c.1898A>G on transcript NM_001242896.3 (MANE Select); coding-DNA position 1898, A replaced by G.
Protein change: p.His633Arg; replaces histidine 633 with arginine.
Molecular consequence: missense variant. On other transcripts: intron variant (3), non-coding transcript variant (4).
Genome position (GRCh38, 1-based): chr22:31,821,529, A>G. VCF-style: chr22-31821529-A-G. GRCh37 (hg19) VCF-style: chr22-32217515-A-G.
Other names: c.1898A>G, p.His633Arg (NM_001136029.4, NM_001363852.2, NM_001364318.2 and 3 more transcripts); c.1870+2304A>G (NM_001364319.2, NM_001363854.2, NM_001242897.2); c.1814A>G, p.His605Arg (NM_001369901.1, NM_001369902.1); short protein forms H633R, H605R.
Identifiers: ClinVar variation 420647 (VCV000420647.5), dbSNP rs1064794610, ClinGen allele CA16621108.
Genomic context (GRCh38, chr22:31,821,529, plus strand): 5'-GGAATGATGCTCAGTGGTTCTTTATCTGGGTAGGGCCATCCGGAGAAGCCATCCAGATCC[A>G]CCACCAGACCCGACAGAATATGGCGGAGCTACAAGGCAGCGGGCAGAGGGATCCAACTCA-3'
Protein context (NP_001229825.1, residues 623-643): VGPSGEAIQI[His633Arg]HQTRQNMAEL